The following is an entry in ClinVar:

NM_000202.8(IDS):c.1216_1217del (p.Leu406fs)

Gene: IDS (iduronate 2-sulfatase; minus strand). Cytogenetic location: Xq28.
Variant type: Microsatellite.
Coding change: c.1216_1217del on transcript NM_000202.8 (MANE Select); coding-DNA positions 1216 to 1217, 2 bases deleted (CT; older notation c.1216_1217delCT).
Protein change: p.Leu406fs; shifts the reading frame from leucine 406.
Molecular consequence: frameshift variant.
Genome position (GRCh38, 1-based): chrX:149,483,182-149,483,183, AG deleted on the plus strand (CT on the coding strand, the reverse complement: IDS is on the minus strand); deleting any 2 consecutive bases within chrX:149,483,182-149,483,186 gives the same sequence; the c. name uses the placement nearest the transcript's 3' end. VCF-style (leftmost placement, unchanged base first): chrX-149483181-AAG-A. GRCh37 (hg19) VCF-style: chrX-148564712-AAG-A.
Other names: c.946_947del, p.Leu316fs (NM_001166550.4); short protein forms L406fs, L316fs.
Identifiers: ClinVar variation 1360889 (VCV001360889.10), dbSNP rs2123995091, ClinGen allele CA2580612500.

ClinVar aggregate classification (germline): Pathogenic. Review status: criteria provided, multiple submitters, no conflicts (2 of 4 stars). 2 submissions from 2 submitters: Pathogenic (2). Last evaluated 2024-06-07.

Conditions:
Mucopolysaccharidosis, MPS-II (MPS2). Also called: IDS deficiency; Sulfoiduronate sulfatase deficiency; SIDS deficiency; Mucopolysaccharidosis with skin involvement; Attenuated MPS (subtype; formerly known as mild MPS II); Severe MPS II. Identifiers: Orphanet 580, Orphanet 79388, MedGen C0026705, MONDO:0010674, OMIM 309900.

Submissions (2):

Laboratory of Diagnosis and Therapy of Lysosomal Disorders, University of Padova
Classification: Pathogenic for Mucopolysaccharidosis, MPS-II. Last evaluated: 2024-06-07. Review status: criteria provided, single submitter. Criteria: ACMG Guidelines, 2015. Collection method: literature only. Allele origin: germline. Affected: yes. Observed: 3 variant alleles.
Comment: Null variant (PVS1_Strong), Absent from controls (or at low frequency) in gnomAD database (PM2_Moderate), Patient’s phenotype or family history highly specific for the disease (PP4_Strong)

Classification method: ACMG Guidelines [PMID:25741868] with modifications

Labcorp Genetics (formerly Invitae), Labcorp
Classification: Pathogenic for Mucopolysaccharidosis, MPS-II. Last evaluated: 2021-04-30. Review status: criteria provided, single submitter. Criteria: Invitae Variant Classification Sherloc (09022015). Collection method: clinical testing. Allele origin: germline.
Comment: For these reasons, this variant has been classified as Pathogenic. This variant disrupts the C-terminus of the IDS protein. Other variant(s) that disrupt this region (p.Arg468Glyfs*15) have been determined to be pathogenic (PMID: 21291454, Invitae). This suggests that variants that disrupt this region of the protein are likely to be causative of disease. This variant has been observed in individual(s) with mucopolysaccharidosis II (PMID: 9660053). This variant is not present in population databases (ExAC no frequency). This sequence change creates a premature translational stop signal (p.Leu406Phefs*24) in the IDS gene. While this is not anticipated to result in nonsense mediated decay, it is expected to disrupt the last 145 amino acid(s) of the IDS protein.

Literature cited by the submitters: PubMed 9660053 (cited by Laboratory of Diagnosis and Therapy of Lysosomal Disorders, University of Padova and Labcorp Genetics (formerly Invitae), Labcorp); PubMed 9950361 (cited by Laboratory of Diagnosis and Therapy of Lysosomal Disorders, University of Padova); PubMed 9266380 (cited by Laboratory of Diagnosis and Therapy of Lysosomal Disorders, University of Padova); PubMed 21291454 (cited by Labcorp Genetics (formerly Invitae), Labcorp).